The following is an entry in ClinVar:

NM_020738.4(KIDINS220):c.3997C>T (p.Leu1333=)

Gene: KIDINS220 (kinase D interacting substrate 220; minus strand). Cytogenetic location: 2p25.1.
Variant type: single nucleotide variant.
Coding change: c.3997C>T on transcript NM_020738.4 (MANE Select); coding-DNA position 3997, C replaced by T.
Protein change: p.Leu1333=; no amino-acid change (leucine 1333 retained).
Molecular consequence: synonymous variant. On other transcripts: non-coding transcript variant (2).
Genome position (GRCh38, 1-based): chr2:8,733,500, G>A on the plus strand (C>T on the coding strand, the complement: KIDINS220 is on the minus strand). VCF-style: chr2-8733500-G-A. GRCh37 (hg19) VCF-style: chr2-8873630-G-A.
Other names: c.4000C>T, p.Leu1334= (NM_001348729.2); c.3943C>T, p.Leu1315= (NM_001348731.2); c.3940C>T, p.Leu1314= (NM_001348732.2, NM_001348738.2); c.3829C>T, p.Leu1277= (NM_001348734.2, NM_001348739.2, NM_001348740.2); c.3826C>T, p.Leu1276= (NM_001348735.2, NM_001348741.2, NM_001348742.2 and 1 more transcripts); c.3700C>T, p.Leu1234= (NM_001348736.2).
Identifiers: ClinVar variation 3045204 (VCV003045204.2), dbSNP rs373410380, ClinGen allele CA1519453.

ClinVar aggregate classification (germline): Likely benign (0 of 4 stars; one submission).

Conditions:
KIDINS220-related disorder. Also called: KIDINS220-related condition.

Allele frequency attached by ClinVar (database versions not stated): TOPMed below 0.00001; ExAC 0.00001; ESP Exome Variant Server 0.00008.

Submission:

PreventionGenetics, part of Exact Sciences
Classification: Likely benign for KIDINS220-related condition. Last evaluated: 2022-10-16. Review status: no assertion criteria provided. Collection method: clinical testing. Allele origin: germline.
Comment: This variant is classified as likely benign based on ACMG/AMP sequence variant interpretation guidelines (Richards et al. 2015 PMID: 25741868, with internal and published modifications).